The following is an entry in ClinVar:

ClinVar aggregate classification (germline): Uncertain significance (1 of 4 stars; one submission).

Conditions:
Cardiovascular phenotype. Identifiers: MedGen CN230736.

gnomAD v4.1: 5 of 1,613,932 alleles (0.00031%); highest among the groups gnomAD compares: Non-Finnish European, 0.00042%; no homozygotes.

Submission:

Ambry Genetics
Classification: Uncertain significance for Cardiovascular phenotype. Last evaluated: 2024-11-28. Review status: criteria provided, single submitter. Criteria: Ambry Variant Classification Scheme 2023. Collection method: clinical testing. Allele origin: germline.
Comment: The p.A19T variant (also known as c.55G>A), located in coding exon 2 of the SPRED1 gene, results from a G to A substitution at nucleotide position 55. The alanine at codon 19 is replaced by threonine, an amino acid with similar properties. This amino acid position is conserved. In addition, this alteration is predicted to be deleterious by in silico analysis. Based on the available evidence, the clinical significance of this variant remains unclear.

NM_152594.3(SPRED1):c.55G>A (p.Ala19Thr)

Gene: SPRED1 (sprouty related EVH1 domain containing 1; plus strand). Cytogenetic location: 15q14.
Variant type: single nucleotide variant.
Coding change: c.55G>A on transcript NM_152594.3 (MANE Select); coding-DNA position 55, G replaced by A.
Protein change: p.Ala19Thr; replaces alanine 19 with threonine.
Molecular consequence: missense variant.
Genome position (GRCh38, 1-based): chr15:38,299,395, G>A. VCF-style: chr15-38299395-G-A. GRCh37 (hg19) VCF-style: chr15-38591596-G-A.
Other names: short protein forms A19T.
Identifiers: ClinVar variation 3448760 (VCV003448760.1).
Genomic context (GRCh38, chr15:38,299,395, plus strand): 5'-ATGGAAAAGCTAATTCCTGATCTTTGCATCTATTTTAGTAATAGTTATGCACGAGTGCGA[G>A]CTGTGGTGATGACCCGAGATGACTCAAGTGGTGGATGGTTACCACTTGGAGGGAGTGGAC-3'
Protein context (NP_689807.1, residues 9-29): DNDNSYARVR[Ala19Thr]VVMTRDDSSG